The following is an entry in ClinVar:

NM_000136.3(FANCC):c.1567A>G (p.Ile523Val)

Genes: AOPEP (aminopeptidase O (putative); plus strand), FANCC (FA complementation group C; minus strand). Cytogenetic location: 9q22.32.
Variant type: single nucleotide variant.
Coding change: c.1567A>G on transcript NM_000136.3 (MANE Select); coding-DNA position 1567, A replaced by G.
Protein change: p.Ile523Val; replaces isoleucine 523 with valine.
Molecular consequence: missense variant.
Genome position (GRCh38, 1-based): chr9:95,101,817, T>C on the plus strand (A>G on the coding strand, the complement: FANCC is on the minus strand). VCF-style: chr9-95101817-T-C. GRCh37 (hg19) VCF-style: chr9-97864099-T-C.
Other names: c.1567A>G, p.Ile523Val (NM_001243743.2); short protein forms I523V.
Identifiers: ClinVar variation 1204056 (VCV001204056.12), dbSNP rs1235875394, ClinGen allele CA374104708.

ClinVar aggregate classification (germline): Uncertain significance. Review status: criteria provided, multiple submitters, no conflicts (2 of 4 stars). 4 submissions from 4 submitters: Uncertain significance (3). 1 of the submissions does not count toward it. Last evaluated 2026-01-04.

Conditions:
Hereditary cancer-predisposing syndrome. Also called: Neoplastic Syndromes, Hereditary; Hereditary neoplastic syndrome; Hereditary Cancer Syndrome; Tumor predisposition. Identifiers: Orphanet 140162, MedGen C0027672, MeSH D009386, MONDO:0015356.
Fanconi anemia (FA). Also called: Fanconi's anemia. Identifiers: Orphanet 84, MedGen C0015625, MeSH D005199, MONDO:0019391.

Allele frequency attached by ClinVar (database versions not stated): gnomAD exomes below 0.00001; gnomAD 0.00001; TOPMed 0.00002.
gnomAD v4.1: 4 of 1,613,978 alleles (0.00025%); highest among the groups gnomAD compares: Middle Eastern, 0.016%; no homozygotes.

Submissions (4):

Labcorp Genetics (formerly Invitae), Labcorp
Classification: Uncertain significance for Fanconi anemia. Last evaluated: 2026-01-04. Review status: criteria provided, single submitter. Criteria: Invitae Variant Classification Sherloc (09022015). Collection method: clinical testing. Allele origin: germline.
Comment: This sequence change replaces isoleucine, which is neutral and non-polar, with valine, which is neutral and non-polar, at codon 523 of the FANCC protein (p.Ile523Val). This variant is not present in population databases (gnomAD no frequency). This variant has not been reported in the literature in individuals affected with FANCC-related conditions. ClinVar contains an entry for this variant (Variation ID: 1204056). Invitae Evidence Modeling of protein sequence and biophysical properties (such as structural, functional, and spatial information, amino acid conservation, physicochemical variation, residue mobility, and thermodynamic stability) indicates that this missense variant is not expected to disrupt FANCC protein function with a negative predictive value of 80%. In summary, the available evidence is currently insufficient to determine the role of this variant in disease. Therefore, it has been classified as a Variant of Uncertain Significance.

GeneDx
Classification: Uncertain significance. Last evaluated: 2024-02-16. Review status: criteria provided, single submitter. Criteria: GeneDx Variant Classification Process June 2021. Collection method: clinical testing. Allele origin: germline. Affected: yes.
Comment: Not observed at significant frequency in large population cohorts (gnomAD); In silico analysis supports that this missense variant does not alter protein structure/function; Has not been previously published as pathogenic or benign to our knowledge

Ambry Genetics
Classification: Uncertain significance for Hereditary cancer-predisposing syndrome. Last evaluated: 2023-12-17. Review status: criteria provided, single submitter. Criteria: Ambry Variant Classification Scheme 2023. Collection method: clinical testing. Allele origin: germline.
Comment: The p.I523V variant (also known as c.1567A>G), located in coding exon 14 of the FANCC gene, results from an A to G substitution at nucleotide position 1567. The isoleucine at codon 523 is replaced by valine, an amino acid with highly similar properties. This amino acid position is conserved. In addition, this alteration is predicted to be tolerated by in silico analysis. Since supporting evidence is limited at this time, the clinical significance of this alteration remains unclear.

Natera, Inc.
Classification: Uncertain significance for Fanconi anemia. Last evaluated: 2019-11-20. Review status: no assertion criteria provided. Collection method: clinical testing. Allele origin: germline. Not counted in ClinVar's aggregate classification.